The following is an entry in ClinVar:

NM_006736.6(DNAJB2):c.633C>T (p.Asp211=)

Gene: DNAJB2 (DnaJ heat shock protein family (Hsp40) member B2; plus strand). Cytogenetic location: 2q35.
Variant type: single nucleotide variant.
Coding change: c.633C>T on transcript NM_006736.6 (MANE Select); coding-DNA position 633, C replaced by T.
Protein change: p.Asp211=; no amino-acid change (aspartic acid 211 retained).
Molecular consequence: synonymous variant.
Genome position (GRCh38, 1-based): chr2:219,284,645, C>T. VCF-style: chr2-219284645-C-T. GRCh37 (hg19) VCF-style: chr2-220149367-C-T.
Other names: c.633C>T, p.Asp211= (NM_001039550.2).
Identifiers: ClinVar variation 3346213 (VCV003346213.1).

ClinVar aggregate classification (germline): Likely benign (0 of 4 stars; one submission).

Conditions:
DNAJB2-related disorder. Also called: DNAJB2-related condition.

gnomAD v4.1: 1 of 1,589,824 alleles (0.000063%); highest among the groups gnomAD compares: Non-Finnish European, 0.000086%; no homozygotes.

Submission:

PreventionGenetics, part of Exact Sciences
Classification: Likely benign for DNAJB2-related condition. Last evaluated: 2024-09-10. Review status: no assertion criteria provided. Collection method: clinical testing. Allele origin: germline.
Comment: This variant is classified as likely benign based on ACMG/AMP sequence variant interpretation guidelines (Richards et al. 2015 PMID: 25741868, with internal and published modifications).